The following is an entry in ClinVar:

ClinVar aggregate classification (germline): Likely benign. Review status: criteria provided, multiple submitters, no conflicts (2 of 4 stars). 3 submissions from 3 submitters: Likely benign (3). Last evaluated 2025-04-11.

Allele frequency attached by ClinVar (database versions not stated): ExAC 0.00001; gnomAD exomes 0.00003 and 0.00005; gnomAD 0.00005 and 0.00006; TOPMed 0.00005.

Submissions (3):

Labcorp Genetics (formerly Invitae), Labcorp
Classification: Likely benign. Last evaluated: 2025-04-11. Review status: criteria provided, single submitter. Criteria: Invitae Variant Classification Sherloc (09022015). Collection method: clinical testing. Allele origin: germline.

Blueprint Genetics
Classification: Likely benign. Last evaluated: 2022-06-21. Review status: criteria provided, single submitter. Criteria: ACMG Guidelines, 2015. Collection method: clinical testing. Allele origin: germline.

CeGaT Center for Human Genetics Tuebingen
Classification: Likely benign. Last evaluated: 2022-06-01. Review status: criteria provided, single submitter. Criteria: CeGaT Center For Human Genetics Tuebingen Variant Classification Criteria Version 2. Collection method: clinical testing. Allele origin: germline. Affected: yes. Observed: 1 variant allele.
Comment: TNFAIP3: BP4, BP7

NM_001270508.2(TNFAIP3):c.1830C>T (p.Ala610=)

Gene: TNFAIP3 (TNF alpha induced protein 3; plus strand). Cytogenetic location: 6q23.3.
Variant type: single nucleotide variant.
Coding change: c.1830C>T on transcript NM_001270508.2 (MANE Select); coding-DNA position 1830, C replaced by T.
Protein change: p.Ala610=; no amino-acid change (alanine 610 retained).
Molecular consequence: synonymous variant.
Genome position (GRCh38, 1-based): chr6:137,879,275, C>T. VCF-style: chr6-137879275-C-T. GRCh37 (hg19) VCF-style: chr6-138200412-C-T.
Other names: c.1830C>T, p.Ala610= (NM_001270507.2, NM_006290.4).
Identifiers: ClinVar variation 1617345 (VCV001617345.40), dbSNP rs199702896, ClinGen allele CA4019719.